The following is an entry in ClinVar:

NM_001292034.3(TAB2):c.214C>T (p.Arg72Cys)

Gene: TAB2 (TGF-beta activated kinase 1 (MAP3K7) binding protein 2; plus strand). Cytogenetic location: 6q25.1.
Variant type: single nucleotide variant.
Coding change: c.214C>T on transcript NM_001292034.3 (MANE Select); coding-DNA position 214, C replaced by T.
Protein change: p.Arg72Cys; replaces arginine 72 with cysteine.
Molecular consequence: missense variant.
Genome position (GRCh38, 1-based): chr6:149,378,129, C>T. VCF-style: chr6-149378129-C-T. GRCh37 (hg19) VCF-style: chr6-149699265-C-T.
Other names: c.118C>T, p.Arg40Cys (NM_001292035.3); c.214C>T, p.Arg72Cys (NM_001369506.1, NM_015093.6); c.214C>T (NM_015093.5); short protein forms R40C, R72C.
Identifiers: ClinVar variation 3173212 (VCV003173212.3), dbSNP rs767600251, ClinGen allele CA4041368.

ClinVar aggregate classification (germline): Conflicting classifications of pathogenicity. Review status: criteria provided, conflicting classifications (1 of 4 stars). 3 submissions from 3 submitters: Uncertain significance (2); Likely benign (1). Last evaluated 2025-11-09.

Conditions:
TAB2-related disorder.
Inborn genetic diseases. Identifiers: MedGen C0950123, MeSH D030342.

Allele frequency attached by ClinVar (database versions not stated): ExAC 0.00001; gnomAD exomes 0.00001; TOPMed 0.00001; gnomAD 0.00002.
gnomAD v4.1: 15 of 1,613,996 alleles (0.00093%); highest among the groups gnomAD compares: African/African-American, 0.004%; no homozygotes.

Submissions (3):

PreventionGenetics, part of Exact Sciences
Classification: Uncertain significance for TAB2-related condition. Last evaluated: 2025-11-09. Review status: criteria provided, single submitter. Criteria: ACMG Guidelines, 2015. Collection method: clinical testing. Allele origin: germline.
Comment: The TAB2 c.214C>T variant is predicted to result in the amino acid substitution p.Arg72Cys. To our knowledge, this variant has not been reported in the literature. This variant is reported in 0.0080% of alleles in individuals of African descent in gnomAD. At this time, the clinical significance of this variant is uncertain due to the absence of conclusive functional and genetic evidence.

Blueprint Genetics
Classification: Likely benign. Last evaluated: 2024-09-19. Review status: criteria provided, single submitter. Criteria: ACMG Guidelines, 2015. Collection method: clinical testing. Allele origin: germline.

Ambry Genetics
Classification: Uncertain significance for Inborn genetic diseases. Last evaluated: 2024-01-08. Review status: criteria provided, single submitter. Criteria: Ambry Variant Classification Scheme 2023. Collection method: clinical testing. Allele origin: germline.